The following is an entry in ClinVar:

ClinVar aggregate classification (germline): Uncertain significance (1 of 4 stars; one submission).

Submission:

Labcorp Genetics (formerly Invitae), Labcorp
Classification: Uncertain significance. Last evaluated: 2022-05-30. Review status: criteria provided, single submitter. Criteria: Invitae Variant Classification Sherloc (09022015). Collection method: clinical testing. Allele origin: germline.
Comment: This sequence change replaces asparagine, which is neutral and polar, with serine, which is neutral and polar, at codon 1107 of the SLC12A6 protein (p.Asn1107Ser). This variant is not present in population databases (gnomAD no frequency). This variant has not been reported in the literature in individuals affected with SLC12A6-related conditions. Advanced modeling of protein sequence and biophysical properties (such as structural, functional, and spatial information, amino acid conservation, physicochemical variation, residue mobility, and thermodynamic stability) performed at Invitae indicates that this missense variant is not expected to disrupt SLC12A6 protein function. In summary, the available evidence is currently insufficient to determine the role of this variant in disease. Therefore, it has been classified as a Variant of Uncertain Significance.

NM_001365088.1(SLC12A6):c.3320A>G (p.Asn1107Ser)

Gene: SLC12A6 (solute carrier family 12 member 6; minus strand). Cytogenetic location: 15q14.
Variant type: single nucleotide variant.
Coding change: c.3320A>G on transcript NM_001365088.1 (MANE Select); coding-DNA position 3320, A replaced by G.
Protein change: p.Asn1107Ser; replaces asparagine 1107 with serine.
Molecular consequence: missense variant.
Genome position (GRCh38, 1-based): chr15:34,235,222, T>C on the plus strand (A>G on the coding strand, the complement: SLC12A6 is on the minus strand). VCF-style: chr15-34235222-T-C. GRCh37 (hg19) VCF-style: chr15-34527423-T-C.
Other names: c.3143A>G, p.Asn1048Ser (NM_001042494.2, NM_001042495.2); c.3293A>G, p.Asn1098Ser (NM_001042496.2); c.3275A>G, p.Asn1092Ser (NM_001042497.2); c.3167A>G, p.Asn1056Ser (NM_005135.2); c.3320A>G, p.Asn1107Ser (NM_133647.2); short protein forms N1056S, N1092S, N1098S, N1107S, N1048S.
Identifiers: ClinVar variation 2000942 (VCV002000942.4), dbSNP rs1891172463, ClinGen allele CA391617139.